The following is an entry in ClinVar:

NM_000466.3(PEX1):c.287C>G (p.Pro96Arg)

Gene: PEX1 (peroxisomal biogenesis factor 1; minus strand). Cytogenetic location: 7q21.2.
Variant type: single nucleotide variant.
Coding change: c.287C>G on transcript NM_000466.3 (MANE Select); coding-DNA position 287, C replaced by G.
Protein change: p.Pro96Arg; replaces proline 96 with arginine.
Molecular consequence: missense variant. On other transcripts: 5 prime UTR variant (1).
Genome position (GRCh38, 1-based): chr7:92,519,065, G>C on the plus strand (C>G on the coding strand, the complement: PEX1 is on the minus strand). VCF-style: chr7-92519065-G-C. GRCh37 (hg19) VCF-style: chr7-92148379-G-C.
Other names: c.287C>G, p.Pro96Arg (NM_001282677.2); c.-373C>G (NM_001282678.2); short protein forms P96R.
Identifiers: ClinVar variation 1468328 (VCV001468328.5), dbSNP rs1562868017, ClinGen allele CA368203268.
Genomic context (GRCh38, chr7:92,519,065, plus strand): 5'-CAATCATCTGCTGAGAGGGGTTCCACCTCAACTTGTTGACAAGATACCACATGGGAACAT[G>C]GCTTGAGAAATACCTAGAAAAAATTAAAAATTTAAAACTACTTTAAAAAAACTTTTCTGT-3'
Protein context (NP_000457.1, residues 86-106): LSNGGQVFLK[Pro96Arg]CSHVVSCQQV

ClinVar aggregate classification (germline): Uncertain significance (1 of 4 stars; one submission).

Conditions:
Zellweger spectrum disorders (ZS). Also called: Zellweger Spectrum Disorder (ZSD); Zellweger syndrome; Zellweger Spectrum Disorder; Zellweger Spectrum. Identifiers: Orphanet 912, MedGen C0043459, MONDO:0019609.

Submission:

Labcorp Genetics (formerly Invitae), Labcorp
Classification: Uncertain significance for Zellweger spectrum disorders. Last evaluated: 2022-10-25. Review status: criteria provided, single submitter. Criteria: Invitae Variant Classification Sherloc (09022015). Collection method: clinical testing. Allele origin: germline.
Comment: This sequence change replaces proline, which is neutral and non-polar, with arginine, which is basic and polar, at codon 96 of the PEX1 protein (p.Pro96Arg). This variant is not present in population databases (gnomAD no frequency). This variant has not been reported in the literature in individuals affected with PEX1-related conditions. ClinVar contains an entry for this variant (Variation ID: 1468328). Advanced modeling of protein sequence and biophysical properties (such as structural, functional, and spatial information, amino acid conservation, physicochemical variation, residue mobility, and thermodynamic stability) performed at Invitae indicates that this missense variant is not expected to disrupt PEX1 protein function. In summary, the available evidence is currently insufficient to determine the role of this variant in disease. Therefore, it has been classified as a Variant of Uncertain Significance.